The following is an entry in ClinVar:

NM_000702.4(ATP1A2):c.1734G>C (p.Glu578Asp)

Gene: ATP1A2 (ATPase Na+/K+ transporting subunit alpha 2; plus strand). Cytogenetic location: 1q23.2.
Variant type: single nucleotide variant.
Coding change: c.1734G>C on transcript NM_000702.4 (MANE Select); coding-DNA position 1734, G replaced by C.
Protein change: p.Glu578Asp; replaces glutamic acid 578 with aspartic acid.
Molecular consequence: missense variant.
Genome position (GRCh38, 1-based): chr1:160,130,504, G>C. VCF-style: chr1-160130504-G-C. GRCh37 (hg19) VCF-style: chr1-160100294-G-C.
Other names: short protein forms E578D.
Identifiers: ClinVar variation 1354177 (VCV001354177.8), dbSNP rs2101990757, ClinGen allele CA343244267.
Genomic context (GRCh38, chr1:160,130,504, plus strand): 5'-ATCTGGAAAGTTTCCTCGGGGCTTCAAATTCGACACGGATGAGCTGAACTTTCCCACGGA[G>C]AAGCTTTGCTTTGTGGGGCTCATGTCTATGATTGACCCTCCCCGGGCTGCTGTGCCAGAT-3'
Protein context (NP_000693.1, residues 568-588): FDTDELNFPT[Glu578Asp]KLCFVGLMSM

ClinVar aggregate classification (germline): Uncertain significance (1 of 4 stars; one submission).

Conditions:
Familial hemiplegic migraine. Identifiers: MedGen C0338484, MONDO:0000700.

Submission:

Labcorp Genetics (formerly Invitae), Labcorp
Classification: Uncertain significance for Familial hemiplegic migraine. Last evaluated: 2021-05-17. Review status: criteria provided, single submitter. Criteria: Invitae Variant Classification Sherloc (09022015). Collection method: clinical testing. Allele origin: germline.
Comment: This sequence change replaces glutamic acid with aspartic acid at codon 578 of the ATP1A2 protein (p.Glu578Asp). The glutamic acid residue is highly conserved and there is a small physicochemical difference between glutamic acid and aspartic acid. This variant is not present in population databases (ExAC no frequency). This variant has not been reported in the literature in individuals with ATP1A2-related conditions. Advanced modeling of protein sequence and biophysical properties (such as structural, functional, and spatial information, amino acid conservation, physicochemical variation, residue mobility, and thermodynamic stability) performed at Invitae indicates that this missense variant is not expected to disrupt ATP1A2 protein function. In summary, the available evidence is currently insufficient to determine the role of this variant in disease. Therefore, it has been classified as a Variant of Uncertain Significance.